The following is an entry in ClinVar:

ClinVar aggregate classification (germline): Uncertain significance (1 of 4 stars; one submission).

Allele frequency attached by ClinVar (database versions not stated): gnomAD exomes below 0.00001.
gnomAD v4.1: 1 of 1,612,966 alleles (0.000062%); highest among the groups gnomAD compares: Non-Finnish European, 0.000085%; no homozygotes.

Submissions (2):

Labcorp Genetics (formerly Invitae), Labcorp
Classification: Uncertain significance. Last evaluated: 2022-08-09. Review status: criteria provided, single submitter. Criteria: Invitae Variant Classification Sherloc (09022015). Collection method: clinical testing. Allele origin: germline.
Comment: In summary, the available evidence is currently insufficient to determine the role of this variant in disease. Therefore, it has been classified as a Variant of Uncertain Significance. Variants that disrupt the consensus splice site are a relatively common cause of aberrant splicing (PMID: 17576681, 9536098). Algorithms developed to predict the effect of sequence changes on RNA splicing suggest that this variant may disrupt the consensus splice site. This variant has not been reported in the literature in individuals affected with JAK1-related conditions. This variant is not present in population databases (gnomAD no frequency). This sequence change falls in intron 11 of the JAK1 gene. It does not directly change the encoded amino acid sequence of the JAK1 protein. It affects a nucleotide within the consensus splice site.

Dr. Peter K. Rogan Lab, Western University
No classification provided (evidence only). Condition: Uterine corpus endometrial carcinoma. Review status: no classification provided. Collection method: in vitro. Allele origin: not applicable. Functional consequence: retained intron. Not counted in ClinVar's aggregate classification.

Literature cited by the submitters: PubMed 17576681 (cited by Labcorp Genetics (formerly Invitae), Labcorp); PubMed 9536098 (cited by Labcorp Genetics (formerly Invitae), Labcorp).

NM_002227.4(JAK1):c.1648+5G>A

Gene: JAK1 (Janus kinase 1; minus strand). Cytogenetic location: 1p31.3.
Variant type: single nucleotide variant.
Coding change: c.1648+5G>A on transcript NM_002227.4 (MANE Select); 5 bases into the intron after coding-DNA position 1648, G replaced by A.
Molecular consequence: intron variant.
Genome position (GRCh38, 1-based): chr1:64,855,504, C>T on the plus strand (G>A on the coding strand, the complement: JAK1 is on the minus strand). VCF-style: chr1-64855504-C-T. GRCh37 (hg19) VCF-style: chr1-65321187-C-T.
Other names: c.1648+5G>A (NM_001321852.2, NM_001321854.2, NM_001321853.2 and 3 more transcripts); c.1645+5G>A (NM_001321857.2).
Identifiers: ClinVar variation 2116062 (VCV002116062.5), dbSNP rs1655869190, ClinGen allele CA1172062775.